The following is an entry in ClinVar:

NM_005219.5(DIAPH1):c.626dup (p.Tyr209Ter)

Gene: DIAPH1 (diaphanous related formin 1; minus strand). Cytogenetic location: 5q31.3.
Variant type: Duplication.
Coding change: c.626dup on transcript NM_005219.5 (MANE Select); coding-DNA position 626, one base duplicated (A; older notation c.626dupA).
Protein change: p.Tyr209Ter; replaces tyrosine 209 with a stop codon.
Molecular consequence: nonsense.
Genome position (GRCh38, 1-based): chr5:141,582,370, T duplicated on the plus strand (A on the coding strand, the reverse complement: DIAPH1 is on the minus strand). VCF-style (leftmost placement, unchanged base first): chr5-141582369-G-GT. GRCh37 (hg19) VCF-style: chr5-140961936-G-GT.
Other names: c.599dup, p.Tyr200Ter (NM_001079812.3); c.626dup, p.Tyr209Ter (NM_001314007.2); short protein forms Y209*, Y200*.
Identifiers: ClinVar variation 1923492 (VCV001923492.5), dbSNP rs1455361577, ClinGen allele CA804802426.

ClinVar aggregate classification (germline): Pathogenic (1 of 4 stars; one submission).

Conditions:
Progressive microcephaly-seizures-cortical blindness-developmental delay syndrome. Also called: Seizures, cortical blindness, and microcephaly syndrome. Identifiers: Orphanet 477814, MedGen C5567650, MONDO:0014714, OMIM 616632.
Autosomal dominant nonsyndromic hearing loss 1. Also called: KONIGSMARK SYNDROME; DEAFNESS, AUTOSOMAL DOMINANT 1, WITH OR WITHOUT THROMBOCYTOPENIA. Identifiers: Orphanet 90635, MedGen C1852282, MONDO:0007424, OMIM 124900.

Allele frequency attached by ClinVar (database versions not stated): TOPMed below 0.00001.

Submission:

Labcorp Genetics (formerly Invitae), Labcorp
Classification: Pathogenic for Progressive microcephaly-seizures-cortical blindness-developmental delay syndrome; Autosomal dominant nonsyndromic hearing loss 1. Last evaluated: 2022-04-19. Review status: criteria provided, single submitter. Criteria: Invitae Variant Classification Sherloc (09022015). Collection method: clinical testing. Allele origin: germline.
Comment: This sequence change creates a premature translational stop signal (p.Tyr209*) in the DIAPH1 gene. It is expected to result in an absent or disrupted protein product. Loss-of-function variants in DIAPH1 are known to be pathogenic (PMID: 24781755, 26463574). This variant is not present in population databases (gnomAD no frequency). This variant has not been reported in the literature in individuals affected with DIAPH1-related conditions. For these reasons, this variant has been classified as Pathogenic.

Literature cited by the submitters: PubMed 24781755; PubMed 26463574.